The following is an entry in ClinVar:

ClinVar aggregate classification (germline): Uncertain significance. Review status: criteria provided, multiple submitters, no conflicts (2 of 4 stars). 2 submissions from 2 submitters: Uncertain significance (2). Last evaluated 2021-08-31.

Conditions:
Combined oxidative phosphorylation defect type 14. Also called: Combined oxidative phosphorylation deficiency 14. Identifiers: Orphanet 319519, MedGen C4755312, MONDO:0013986, OMIM 614946.

gnomAD v4.1: 70 of 1,614,018 alleles (0.0043%); highest among the groups gnomAD compares: Non-Finnish European, 0.0059%; no homozygotes.

Submissions (2):

Labcorp Genetics (formerly Invitae), Labcorp
Classification: Uncertain significance for Combined oxidative phosphorylation defect type 14. Last evaluated: 2021-08-31. Review status: criteria provided, single submitter. Criteria: Invitae Variant Classification Sherloc (09022015). Collection method: clinical testing. Allele origin: germline.
Comment: This sequence change replaces arginine with serine at codon 330 of the FARS2 protein (p.Arg330Ser). The arginine residue is moderately conserved and there is a moderate physicochemical difference between arginine and serine. This variant is not present in population databases (ExAC no frequency). This variant has not been reported in the literature in individuals affected with FARS2-related conditions. Algorithms developed to predict the effect of missense changes on protein structure and function are either unavailable or do not agree on the potential impact of this missense change (SIFT: "Deleterious"; PolyPhen-2: "Probably Damaging"; Align-GVGD: "Class C0"). Algorithms developed to predict the effect of sequence changes on RNA splicing suggest that this variant may create or strengthen a splice site. In summary, the available evidence is currently insufficient to determine the role of this variant in disease. Therefore, it has been classified as a Variant of Uncertain Significance.

Baylor Genetics
Classification: Uncertain significance for Combined oxidative phosphorylation defect type 14. Last evaluated: 2018-10-12. Review status: criteria provided, single submitter. Criteria: ACMG Guidelines, 2015. Collection method: clinical testing. Allele origin: unknown. Affected: yes.
Comment: This variant was determined to be of uncertain significance according to ACMG Guidelines, 2015 [PMID:25741868].

NM_006567.5(FARS2):c.988C>A (p.Arg330Ser)

Gene: FARS2 (phenylalanyl-tRNA synthetase 2, mitochondrial; plus strand). Cytogenetic location: 6p25.1.
Variant type: single nucleotide variant.
Coding change: c.988C>A on transcript NM_006567.5 (MANE Select); coding-DNA position 988, C replaced by A.
Protein change: p.Arg330Ser; replaces arginine 330 with serine.
Molecular consequence: missense variant.
Genome position (GRCh38, 1-based): chr6:5,545,263, C>A. VCF-style: chr6-5545263-C-A. GRCh37 (hg19) VCF-style: chr6-5545496-C-A.
Other names: c.988C>A, p.Arg330Ser (NM_001318872.2, NM_001374875.1, NM_001374876.1 and 4 more transcripts); c.856C>A, p.Arg286Ser (NM_001375258.1); c.292C>A, p.Arg98Ser (NM_001375259.1, NM_001375260.1); short protein forms R286S, R98S, R330S.
Identifiers: ClinVar variation 1031656 (VCV001031656.6), dbSNP rs757442324, ClinGen allele CA362736547.